The following is an entry in ClinVar:

ClinVar aggregate classification (germline): Uncertain significance. Review status: criteria provided, multiple submitters, no conflicts (2 of 4 stars). 5 submissions from 5 submitters: Uncertain significance (4). 1 of the submissions does not count toward it. Last evaluated 2025-12-21.

Conditions:
SRP72-related disorder. Also called: SRP72-related condition.
Autosomal dominant aplasia and myelodysplasia. Also called: Bone marrow failure syndrome 1. Identifiers: Orphanet 314399, MedGen C3808553, MONDO:0013851, OMIM 614675.

Allele frequency attached by ClinVar (database versions not stated): TOPMed 0.00007; ExAC 0.00009; gnomAD exomes 0.00009 and 0.00015; gnomAD 0.00011; ESP Exome Variant Server 0.00015; 1000 Genomes Project 30x 0.00016; 1000 Genomes Project 0.00020.
gnomAD v4.1: 230 of 1,612,292 alleles (0.014%); highest among the groups gnomAD compares: East Asian, 0.034%; no homozygotes.

Submissions (5):

Labcorp Genetics (formerly Invitae), Labcorp
Classification: Uncertain significance. Last evaluated: 2025-12-21. Review status: criteria provided, single submitter. Criteria: Invitae Variant Classification Sherloc (09022015). Collection method: clinical testing. Allele origin: germline.
Comment: This sequence change replaces arginine, which is basic and polar, with histidine, which is basic and polar, at codon 208 of the SRP72 protein (p.Arg208His). This variant is present in population databases (rs369761160, gnomAD 0.04%), and has an allele count higher than expected for a pathogenic variant. This variant has not been reported in the literature in individuals affected with SRP72-related conditions. ClinVar contains an entry for this variant (Variation ID: 1443238). Invitae Evidence Modeling of protein sequence and biophysical properties (such as structural, functional, and spatial information, amino acid conservation, physicochemical variation, residue mobility, and thermodynamic stability) indicates that this missense variant is not expected to disrupt SRP72 protein function with a negative predictive value of 80%. In summary, the available evidence is currently insufficient to determine the role of this variant in disease. Therefore, it has been classified as a Variant of Uncertain Significance.

Ambry Genetics
Classification: Uncertain significance. Last evaluated: 2025-06-18. Review status: criteria provided, single submitter. Criteria: Ambry Variant Classification Scheme 2023. Collection method: clinical testing. Allele origin: germline.

GeneDx
Classification: Uncertain significance. Last evaluated: 2024-05-08. Review status: criteria provided, single submitter. Criteria: GeneDx Variant Classification Process June 2021. Collection method: clinical testing. Allele origin: germline. Affected: yes.
Comment: In silico analysis indicates that this missense variant does not alter protein structure/function; Has not been previously published as pathogenic or benign to our knowledge

Fulgent Genetics
Classification: Uncertain significance for Autosomal dominant aplasia and myelodysplasia. Last evaluated: 2021-10-27. Review status: criteria provided, single submitter. Criteria: ACMG Guidelines, 2015. Collection method: clinical testing. Allele origin: unknown.

PreventionGenetics, part of Exact Sciences
Classification: Uncertain significance for SRP72-related condition. Last evaluated: 2024-04-25. Review status: no assertion criteria provided. Collection method: clinical testing. Allele origin: germline. Not counted in ClinVar's aggregate classification.
Comment: The SRP72 c.623G>A variant is predicted to result in the amino acid substitution p.Arg208His. To our knowledge, this variant has not been reported in the literature. This variant is reported in 0.045% of alleles in individuals of East Asian descent in gnomAD and has been interpreted as uncertain in ClinVar. Although we suspect that this variant may be benign, at this time, the clinical significance of this variant is uncertain due to the absence of conclusive functional and genetic evidence.

NM_006947.4(SRP72):c.623G>A (p.Arg208His)

Gene: SRP72 (signal recognition particle 72; plus strand). Cytogenetic location: 4q12.
Variant type: single nucleotide variant.
Coding change: c.623G>A on transcript NM_006947.4 (MANE Select); coding-DNA position 623, G replaced by A.
Protein change: p.Arg208His; replaces arginine 208 with histidine.
Molecular consequence: missense variant. On other transcripts: non-coding transcript variant (1).
Genome position (GRCh38, 1-based): chr4:56,476,683, G>A. VCF-style: chr4-56476683-G-A. GRCh37 (hg19) VCF-style: chr4-57342849-G-A.
Other names: c.623G>A, p.Arg208His (NM_001267722.2); c.623G>A (NM_006947.3); short protein forms R208H.
Identifiers: ClinVar variation 1443238 (VCV001443238.12), dbSNP rs369761160, ClinGen allele CA2931136.
Genomic context (GRCh38, chr4:56,476,683, plus strand): 5'-TGGGATTTACCCAGCAATACTACTTTTAAAACAATTTTTCTCCTGTAGATCTTTGCCGCC[G>A]TTCATTATCAGAAGACACTGTAAGTATTCCATCATTGTTAAACCTAAATTTTACACTTCT-3'
Protein context (NP_008878.3, residues 198-218): ILQKAEDLCR[Arg208His]SLSEDTDGTE